The following is an entry in ClinVar:

NM_033380.3(COL4A5):c.1967del (p.Gly656fs)

Gene: COL4A5 (collagen type IV alpha 5 chain; plus strand). Cytogenetic location: Xq22.3.
Variant type: Deletion.
Coding change: c.1967del on transcript NM_033380.3 (MANE Select); coding-DNA position 1967, one base deleted (G; older notation c.1967delG).
Protein change: p.Gly656fs; shifts the reading frame from glycine 656.
Molecular consequence: frameshift variant.
Genome position (GRCh38, 1-based): chrX:108,601,411, G deleted; the last of 2 consecutive G bases (chrX:108,601,410-108,601,411); deleting either gives the same sequence. VCF-style (leftmost placement, unchanged base first): chrX-108601409-AG-A. GRCh37 (hg19) VCF-style: chrX-107844639-AG-A.
Other names: c.1967del, p.Gly656fs (NM_000495.5); short protein forms G656fs.
Identifiers: ClinVar variation 3776187 (VCV003776187.1).

ClinVar aggregate classification (germline): Likely pathogenic (1 of 4 stars; one submission).

Conditions:
X-linked Alport syndrome (ATS1). Also called: NEPHROPATHY AND DEAFNESS, X-LINKED; COL4A5-Related Nephropathy. Identifiers: Orphanet 63, Orphanet 88917, MedGen C4746986, MONDO:0010520, OMIM 301050.

Submission:

3billion
Classification: Likely pathogenic for X-linked Alport syndrome. Last evaluated: 2023-09-21. Review status: criteria provided, single submitter. Criteria: ACMG Guidelines, 2015. Collection method: clinical testing. Allele origin: germline. Affected: yes.
Comment: The variant is not observed in the gnomAD v2.1.1 dataset. Predicted Consequence/Location: Frameshift: predicted to result in a loss or disruption of normal protein function through nonsense-mediated decay (NMD) or protein truncation. Multiple pathogenic variants are reported downstream of the variant. Therefore, this variant is classified as Likely pathogenic according to the recommendation of ACMG/AMP guideline.